The following is an entry in ClinVar:

NM_173598.6(KSR2):c.1262T>A (p.Met421Lys)

Gene: KSR2 (kinase suppressor of ras 2; minus strand). Cytogenetic location: 12q24.22.
Variant type: single nucleotide variant.
Coding change: c.1262T>A on transcript NM_173598.6 (MANE Select); coding-DNA position 1262, T replaced by A.
Protein change: p.Met421Lys; replaces methionine 421 with lysine.
Molecular consequence: missense variant.
Genome position (GRCh38, 1-based): chr12:117,579,182, A>T on the plus strand (T>A on the coding strand, the complement: KSR2 is on the minus strand). VCF-style: chr12-117579182-A-T. GRCh37 (hg19) VCF-style: chr12-118016987-A-T.
Other names: short protein forms M421K.
Identifiers: ClinVar variation 4991669 (VCV004991669.1).

ClinVar aggregate classification (germline): Uncertain significance (1 of 4 stars; one submission).

Conditions:
KSR2-related disorder. Also called: KSR2-related condition.

Submission:

PreventionGenetics, part of Exact Sciences
Classification: Uncertain significance for KSR2-related condition. Last evaluated: 2025-11-22. Review status: criteria provided, single submitter. Criteria: ACMG Guidelines, 2015. Collection method: clinical testing. Allele origin: germline.
Comment: The KSR2 c.1175T>A variant is predicted to result in the amino acid substitution p.Met392Lys. To our knowledge, this variant has not been reported in the literature or in a large population database (gnomAD), indicating this variant is rare. At this time, the clinical significance of this variant is uncertain due to the absence of conclusive functional and genetic evidence.